The following is an entry in ClinVar:

NM_000748.3(CHRNB2):c.255+15T>G

Gene: CHRNB2 (cholinergic receptor nicotinic beta 2 subunit; plus strand). Cytogenetic location: 1q21.3.
Variant type: single nucleotide variant.
Coding change: c.255+15T>G on transcript NM_000748.3 (MANE Select); 15 bases into the intron after coding-DNA position 255, T replaced by G.
Molecular consequence: intron variant.
Genome position (GRCh38, 1-based): chr1:154,569,851, T>G. VCF-style: chr1-154569851-T-G. GRCh37 (hg19) VCF-style: chr1-154542327-T-G.
Identifiers: ClinVar variation 392436 (VCV000392436.6), dbSNP rs374367624, ClinGen allele CA1130671.
Genomic context (GRCh38, chr1:154,569,851, plus strand): 5'-GCATGAGCGGGAGCAGATCATGACCACCAATGTCTGGCTGACCCAGGTAAGCGTAAGTGC[T>G]CTCTTCCACCCACACCCCTGGCCTTCTCTCTCCTCCTTTTTCCCCATGTGCTTTTTTCTT-3'

ClinVar aggregate classification (germline): Likely benign. Review status: criteria provided, multiple submitters, no conflicts (2 of 4 stars). 3 submissions from 3 submitters: Likely benign (3). Last evaluated 2024-02-08.

Conditions:
Familial sleep-related hypermotor epilepsy. Also called: Autosomal Dominant Sleep-Related Hypermotor (Hyperkinetic) Epilepsy. Identifiers: Orphanet 98784, MedGen C3696898, MONDO:0000030.

Allele frequency attached by ClinVar (database versions not stated): gnomAD exomes below 0.00001 and 0.00002; TOPMed below 0.00001; ExAC 0.00001; gnomAD 0.00001; ESP Exome Variant Server 0.00008.
gnomAD v4.1: 10 of 1,613,970 alleles (0.00062%); highest among the groups gnomAD compares: Admixed American, 0.0017%; no homozygotes.

Submissions (3):

Blueprint Genetics
Classification: Likely benign. Last evaluated: 2024-02-08. Review status: criteria provided, single submitter. Criteria: ACMG Guidelines, 2015. Collection method: clinical testing. Allele origin: germline.

Labcorp Genetics (formerly Invitae), Labcorp
Classification: Likely benign. Last evaluated: 2022-03-27. Review status: criteria provided, single submitter. Criteria: Invitae Variant Classification Sherloc (09022015). Collection method: clinical testing. Allele origin: germline.

GeneDx
Classification: Likely benign. Last evaluated: 2017-01-06. Review status: criteria provided, single submitter. Criteria: GeneDx Variant Classification (06012015). Collection method: clinical testing. Allele origin: germline. Affected: yes.
Comment: This variant is considered likely benign or benign based on one or more of the following criteria: it is a conservative change, it occurs at a poorly conserved position in the protein, it is predicted to be benign by multiple in silico algorithms, and/or has population frequency not consistent with disease.